The following is an entry in ClinVar:

ClinVar aggregate classification (germline): Likely benign. Review status: criteria provided, multiple submitters, no conflicts (2 of 4 stars). 3 submissions from 3 submitters: Likely benign (3). Last evaluated 2025-02-17.

Conditions:
SCN4A-related disorder. Also called: SCN4A-related disorders.
Hyperkalemic periodic paralysis. Also called: Gamstorp disease; Familial hyperkalemic periodic paralysis. Identifiers: Orphanet 682, MedGen C0238357, MONDO:0008224, OMIM 170500, HP:0007215.

Allele frequency attached by ClinVar (database versions not stated): gnomAD 0.00002 and 0.00005; TOPMed 0.00002; ESP Exome Variant Server 0.00008; gnomAD exomes 0.00009 and 0.00016; ExAC 0.00025.
gnomAD v4.1: 132 of 1,613,900 alleles (0.0082%); highest among the groups gnomAD compares: South Asian, 0.099%; 1 homozygote.

Submissions (3):

PreventionGenetics, part of Exact Sciences
Classification: Likely benign for SCN4A-related condition. Last evaluated: 2025-02-17. Review status: criteria provided, single submitter. Criteria: ACMG Guidelines, 2015. Collection method: clinical testing. Allele origin: germline.
Comment: This variant is classified as likely benign based on ACMG/AMP sequence variant interpretation guidelines (Richards et al. 2015 PMID: 25741868, with internal and published modifications).

Labcorp Genetics (formerly Invitae), Labcorp
Classification: Likely benign for Hyperkalemic periodic paralysis. Last evaluated: 2025-01-21. Review status: criteria provided, single submitter. Criteria: Invitae Variant Classification Sherloc (09022015). Collection method: clinical testing. Allele origin: germline.

Blueprint Genetics
Classification: Likely benign. Last evaluated: 2023-09-28. Review status: criteria provided, single submitter. Criteria: ACMG Guidelines, 2015. Collection method: clinical testing. Allele origin: germline.

NM_000334.4(SCN4A):c.4419C>T (p.Phe1473=)

Genes: GH-LCR (growth hormone locus control region; plus strand), SCN4A (sodium voltage-gated channel alpha subunit 4; minus strand). Cytogenetic location: 17q23.3.
Variant type: single nucleotide variant.
Coding change: c.4419C>T on transcript NM_000334.4 (MANE Select); coding-DNA position 4419, C replaced by T.
Protein change: p.Phe1473=; no amino-acid change (phenylalanine 1473 retained).
Molecular consequence: synonymous variant.
Genome position (GRCh38, 1-based): chr17:63,941,863, G>A on the plus strand (C>T on the coding strand, the complement: SCN4A is on the minus strand). VCF-style: chr17-63941863-G-A. GRCh37 (hg19) VCF-style: chr17-62019223-G-A.
Identifiers: ClinVar variation 703845 (VCV000703845.12), dbSNP rs374319193, ClinGen allele CA8708965.